The following is an entry in ClinVar:

NM_000297.4(PKD2):c.2523-2A>G

Gene: PKD2 (polycystin 2, transient receptor potential cation channel; plus strand). Cytogenetic location: 4q22.1.
Variant type: single nucleotide variant.
Coding change: c.2523-2A>G on transcript NM_000297.4 (MANE Select); the canonical splice acceptor site of the intron before coding-DNA position 2523, A replaced by G.
Molecular consequence: splice acceptor variant.
Genome position (GRCh38, 1-based): chr4:88,074,810, A>G. VCF-style: chr4-88074810-A-G. GRCh37 (hg19) VCF-style: chr4-88995962-A-G.
Identifiers: ClinVar variation 3764715 (VCV003764715.2).
Genomic context (GRCh38, chr4:88,074,810, plus strand): 5'-CCAGTGGGGCTGAAAAGACAATGACAAGCACTTTGTCCCTCTGTACTGTGTTTTCCTTGC[A>G]GCCTGGTGAGACGAGTGGACCGGATGGAGCATTCCATCGGCAGCATAGTGTCCAAGATTG-3'

ClinVar aggregate classification (germline): Pathogenic (1 of 4 stars; one submission).

Conditions:
Polycystic kidney disease 2 (PKD2). Also called: Polycystic Kidney Disease 2, Autosomal Dominant; POLYCYSTIC KIDNEY DISEASE, ADULT, TYPE II; POLYCYSTIC KIDNEY DISEASE 2 WITH OR WITHOUT POLYCYSTIC LIVER DISEASE. Identifiers: MedGen C2751306, MONDO:0013131, OMIM 613095.

Submission:

Juno Genomics, Hangzhou Juno Genomics, Inc
Classification: Pathogenic for Polycystic kidney disease 2. Review status: criteria provided, single submitter. Criteria: ACMG Guidelines, 2015. Collection method: clinical testing. Allele origin: germline. Affected: yes.
Comment: Absent from controls (or at extremely low frequency if recessive) in Genome Aggregation Database, Exome Sequencing Project, 1000 Genomes Project, or Exome Aggregation Consortium.;Null variant in a gene where loss of function (LOF) is a known mechanism of disease.;Patient's phenotype or family history is highly specific for a disease with a single genetic etiology.